The following is an entry in ClinVar:

ClinVar aggregate classification (germline): Uncertain significance (1 of 4 stars; one submission).

Conditions:
Epidermolysis bullosa simplex with nail dystrophy (EBS5D). Identifiers: MedGen C4225309, MONDO:0014661, OMIM 616487.
Epidermolysis bullosa simplex, Ogna type (EBS5A). Also called: Pidermolysis bullosa simplex 5A, Ogna type; EPIDERMOLYSIS BULLOSA SIMPLEX 5A, OGNA TYPE. Identifiers: Orphanet 79401, MedGen C0432317, MONDO:0007555, OMIM 131950.
Autosomal recessive limb-girdle muscular dystrophy type 2Q (LGMDR17). Also called: MUSCULAR DYSTROPHY, LIMB-GIRDLE, AUTOSOMAL RECESSIVE 17. Identifiers: Orphanet 254361, MedGen C3150989, MONDO:0013390, OMIM 613723.
Epidermolysis bullosa simplex 5B, with muscular dystrophy (EBS5B). Also called: EPIDERMOLYSIS BULLOSA SIMPLEX AND LIMB-GIRDLE MUSCULAR DYSTROPHY; Epidermolysis bullosa simplex with muscular dystrophy. Identifiers: Orphanet 257, MedGen C2931072, MONDO:0009181, OMIM 226670.
Epidermolysis bullosa simplex 5C, with pyloric atresia (EBS5C). Also called: PLEC-Related Epidermolysis Bullosa with Pyloric Atresia; Epidermolysis bullosa simplex with pyloric atresia; PLEC1-Related Epidermolysis Bullosa with Pyloric Atresia. Identifiers: Orphanet 158684, MedGen C2677349, MONDO:0012807, OMIM 612138.

Allele frequency attached by ClinVar (database versions not stated): TOPMed below 0.00001; gnomAD 0.00001; gnomAD exomes 0.00001 and below 0.00001.
gnomAD v4.1: 26 of 1,607,436 alleles (0.0016%); highest among the groups gnomAD compares: African/African-American, 0.015%; no homozygotes.

Submission:

Labcorp Genetics (formerly Invitae), Labcorp
Classification: Uncertain significance for Autosomal recessive limb-girdle muscular dystrophy type 2Q; Epidermolysis bullosa simplex, Ogna type; Epidermolysis bullosa simplex with nail dystrophy; Epidermolysis bullosa simplex 5C, with pyloric atresia; Epidermolysis bullosa simplex 5B, with muscular dystrophy. Last evaluated: 2025-12-19. Review status: criteria provided, single submitter. Criteria: Invitae Variant Classification Sherloc (09022015). Collection method: clinical testing. Allele origin: germline.
Comment: This sequence change replaces glycine, which is neutral and non-polar, with arginine, which is basic and polar, at codon 43 of the PLEC protein (p.Gly43Arg). This variant is present in population databases (rs553320718, gnomAD 0.007%). This variant has not been reported in the literature in individuals affected with PLEC-related conditions. ClinVar contains an entry for this variant (Variation ID: 1365132). Experimental studies and prediction algorithms are not available or were not evaluated, and the functional significance of this variant is currently unknown. In summary, the available evidence is currently insufficient to determine the role of this variant in disease. Therefore, it has been classified as a Variant of Uncertain Significance.

NM_000445.5(PLEC):c.127G>A (p.Gly43Arg)

Gene: PLEC (plectin; minus strand). Cytogenetic location: 8q24.3.
Variant type: single nucleotide variant.
Coding change: c.127G>A on transcript NM_000445.5; coding-DNA position 127, G replaced by A.
Protein change: p.Gly43Arg; replaces glycine 43 with arginine.
Molecular consequence: missense variant.
Genome position (GRCh38, 1-based): chr8:143,975,243, C>T on the plus strand (G>A on the coding strand, the complement: PLEC is on the minus strand). VCF-style: chr8-143975243-C-T. GRCh37 (hg19) VCF-style: chr8-145049411-C-T.
Other names: c.127G>A, p.Gly43Arg (NM_001410941.1); short protein forms G43R.
Identifiers: ClinVar variation 1365132 (VCV001365132.9), dbSNP rs553320718, ClinGen allele CA187607559.
Genomic context (GRCh38, chr8:143,975,243, plus strand): 5'-TGCGAATGACCGCCCGCTCAGCTGGGTCCAGGACACTCCCGTTGCTCCCAGCGCCACCCC[C>T]GCTGCGCCGGCTCCGCTGCGTTTTCCCAAGGTTCCAGGGCAGTGTGTCCCCAGGGCTGGG-3'